The following is an entry in ClinVar:

ClinVar aggregate classification (germline): Uncertain significance (1 of 4 stars; one submission).

Conditions:
Cardiovascular phenotype. Identifiers: MedGen CN230736.

Submission:

Ambry Genetics
Classification: Uncertain significance for Cardiovascular phenotype. Last evaluated: 2022-06-08. Review status: criteria provided, single submitter. Criteria: Ambry Variant Classification Scheme 2023. Collection method: clinical testing. Allele origin: germline.
Comment: The c.7461_7463delTCT variant (also known as p.L2488del) is located in coding exon 8 of the ALMS1 gene. This variant results from an in-frame TCT deletion at nucleotide positions 7461 to 7463. This results in the in-frame deletion of a leucine at codon 2488. This amino acid position is highly conserved in available vertebrate species. In addition, this alteration is predicted to be deleterious by in silico analysis (Choi Y et al. PLoS ONE. 2012; 7(10):e46688). Since supporting evidence is limited at this time, the clinical significance of this alteration remains unclear.

NM_001378454.1(ALMS1):c.7458_7460del (p.Leu2487del)

Gene: ALMS1 (ALMS1 centrosome and basal body associated protein; plus strand). Cytogenetic location: 2p13.1.
Variant type: Deletion.
Coding change: c.7458_7460del on transcript NM_001378454.1 (MANE Select); coding-DNA positions 7458 to 7460, 3 bases deleted (TCT; older notation c.7458_7460delTCT).
Protein change: p.Leu2487del; deletes leucine 2487.
Molecular consequence: inframe deletion.
Genome position (GRCh38, 1-based): chr2:73,453,985-73,453,987, TCT deleted; deleting any 3 consecutive bases within chr2:73,453,983-73,453,987 gives the same sequence; the c. name uses the placement nearest the transcript's 3' end. VCF-style (leftmost placement, unchanged base first): chr2-73453982-CCTT-C. GRCh37 (hg19) VCF-style: chr2-73681109-CCTT-C.
Other names: c.7461_7463del, p.Leu2488del (NM_015120.4); c.7461_7463delTCT (NM_015120.4); short protein forms L2487del, L2488del.
Identifiers: ClinVar variation 1759021 (VCV001759021.2), dbSNP rs750234577, ClinGen allele CA1714237.